The following is an entry in ClinVar:

ClinVar aggregate classification (germline): Pathogenic/Likely pathogenic. Review status: criteria provided, multiple submitters, no conflicts (2 of 4 stars). 2 submissions from 2 submitters: Pathogenic (1); Likely pathogenic (1). Last evaluated 2024-04-09.

Conditions:
Usher syndrome type 1D (USH1D). Also called: USHER SYNDROME, TYPE ID. Identifiers: Orphanet 231169, Orphanet 886, MedGen C1832845, MONDO:0010984, OMIM 601067.
Autosomal recessive nonsyndromic hearing loss 23. Identifiers: Orphanet 90636, MedGen C1836027, MONDO:0012293, OMIM 609533.
Usher syndrome type 1F (USH1F). Also called: USHER SYNDROME, TYPE IF. Identifiers: Orphanet 231169, Orphanet 886, MedGen C1865885, MONDO:0011186, OMIM 602083.

Submissions (2):

Fulgent Genetics
Classification: Likely pathogenic for Usher syndrome type 1D; Usher syndrome type 1F; Autosomal recessive nonsyndromic hearing loss 23. Last evaluated: 2024-04-09. Review status: criteria provided, single submitter. Criteria: ACMG Guidelines, 2015. Collection method: clinical testing. Allele origin: germline.

Labcorp Genetics (formerly Invitae), Labcorp
Classification: Pathogenic. Last evaluated: 2023-09-15. Review status: criteria provided, single submitter. Criteria: Invitae Variant Classification Sherloc (09022015). Collection method: clinical testing. Allele origin: germline.
Comment: ClinVar contains an entry for this variant (Variation ID: 1451139). For these reasons, this variant has been classified as Pathogenic. This variant disrupts a region of the PCDH15 protein in which other variant(s) (p.Gln1576*) have been determined to be pathogenic (PMID: 28281779). This suggests that this is a clinically significant region of the protein, and that variants that disrupt it are likely to be disease-causing. Algorithms developed to predict the effect of sequence changes on RNA splicing suggest that this variant may create or strengthen a splice site. This variant has not been reported in the literature in individuals affected with PCDH15-related conditions. This variant is not present in population databases (gnomAD no frequency). This sequence change creates a premature translational stop signal (p.Ala1524Lysfs*4) in the PCDH15 gene. While this is not anticipated to result in nonsense mediated decay, it is expected to disrupt the last 432 amino acid(s) of the PCDH15 protein.

Literature cited by the submitters: PubMed 28281779 (cited by Labcorp Genetics (formerly Invitae), Labcorp).

NM_033056.4(PCDH15):c.4566_4569dup (p.Ala1524fs)

Gene: PCDH15 (protocadherin related 15; minus strand). Cytogenetic location: 10q21.1.
Variant type: Duplication.
Coding change: c.4566_4569dup on transcript NM_033056.4 (MANE Plus Clinical); coding-DNA positions 4566 to 4569, 4 bases duplicated (AAGT; older notation c.4566_4569dupAAGT).
Protein change: p.Ala1524fs; shifts the reading frame from alanine 1524.
Molecular consequence: frameshift variant. On other transcripts: intron variant (8).
Genome position (GRCh38, 1-based): chr10:53,823,157-53,823,160, ACTT duplicated on the plus strand (AAGT on the coding strand, the reverse complement: PCDH15 is on the minus strand); duplicating any 4 consecutive bases within chr10:53,823,157-53,823,161 gives the same sequence; the c. name uses the placement nearest the transcript's 3' end. VCF-style (leftmost placement, unchanged base first): chr10-53823156-C-CACTT. GRCh37 (hg19) VCF-style: chr10-55582916-C-CACTT.
Other names: c.4587_4590dup, p.Ala1531fs (NM_001142763.2); c.4572_4575dup, p.Ala1526fs (NM_001142764.2); c.4359_4362dup, p.Ala1455fs (NM_001142765.2); c.4557_4560dup, p.Ala1521fs (NM_001142766.2); c.4446_4449dup, p.Ala1484fs (NM_001142767.2); c.4506_4509dup, p.Ala1504fs (NM_001142768.2); c.4497_4500dup, p.Ala1501fs (NM_001142773.2); c.4500_4503dup, p.Ala1502fs (NM_001354404.2); and 6 more; short protein forms A1455fs, A1501fs, A1521fs, A1524fs, A1526fs, A1531fs, A1502fs, A1484fs.
Identifiers: ClinVar variation 1451139 (VCV001451139.9), dbSNP rs2132508767, ClinGen allele CA2573145210.